The following is an entry in ClinVar:

NM_000026.4(ADSL):c.127T>C (p.Trp43Arg)

Gene: ADSL (adenylosuccinate lyase; plus strand). Cytogenetic location: 22q13.1.
Variant type: single nucleotide variant.
Coding change: c.127T>C on transcript NM_000026.4 (MANE Select); coding-DNA position 127, T replaced by C.
Protein change: p.Trp43Arg; replaces tryptophan 43 with arginine.
Molecular consequence: missense variant. On other transcripts: non-coding transcript variant (1), intron variant (1).
Genome position (GRCh38, 1-based): chr22:40,346,685, T>C. VCF-style: chr22-40346685-T-C. GRCh37 (hg19) VCF-style: chr22-40742689-T-C.
Other names: c.127T>C, p.Trp43Arg (NM_001410816.1, NM_001123378.3, NM_001363840.3 and 2 more transcripts); c.-40+29T>C (NM_001317923.2); short protein forms W43R.
Identifiers: ClinVar variation 5018778 (VCV005018778.2).

ClinVar aggregate classification (germline): Uncertain significance (1 of 4 stars; one submission).

Conditions:
Adenylosuccinate lyase deficiency (ADSLD). Also called: ADSL DEFICIENCY. Identifiers: Orphanet 46, MedGen C0268126, MONDO:0007068, OMIM 103050.

Submission:

Juno Genomics, Hangzhou Juno Genomics, Inc
Classification: Uncertain significance for Adenylosuccinate lyase deficiency. Review status: criteria provided, single submitter. Criteria: ACMG Guidelines, 2015. Collection method: clinical testing. Allele origin: germline.
Comment: Absent from controls (or at extremely low frequency if recessive) in Genome Aggregation Database.;Multiple lines of computational evidence support a deleterious effect on the gene or gene product.